The following is an entry in ClinVar:

NM_001918.5(DBT):c.1276A>G (p.Ile426Val)

Gene: DBT (dihydrolipoamide branched chain transacylase E2; minus strand). Cytogenetic location: 1p21.2.
Variant type: single nucleotide variant.
Coding change: c.1276A>G on transcript NM_001918.5 (MANE Select); coding-DNA position 1276, A replaced by G.
Protein change: p.Ile426Val; replaces isoleucine 426 with valine.
Molecular consequence: missense variant.
Genome position (GRCh38, 1-based): chr1:100,206,235, T>C on the plus strand (A>G on the coding strand, the complement: DBT is on the minus strand). VCF-style: chr1-100206235-T-C. GRCh37 (hg19) VCF-style: chr1-100671791-T-C.
Other names: short protein forms I426V.
Identifiers: ClinVar variation 1477250 (VCV001477250.3), dbSNP rs1471693880, ClinGen allele CA341329750.

ClinVar aggregate classification (germline): Uncertain significance (1 of 4 stars; one submission).

Conditions:
Maple syrup urine disease (MSUD). Identifiers: Orphanet 511, MedGen C0024776, MeSH D008375, MONDO:0009563. Disease mechanism: loss of function.

Allele frequency attached by ClinVar (database versions not stated): gnomAD exomes below 0.00001; TOPMed below 0.00001.

Submission:

Labcorp Genetics (formerly Invitae), Labcorp
Classification: Uncertain significance for Maple syrup urine disease. Last evaluated: 2021-12-02. Review status: criteria provided, single submitter. Criteria: Invitae Variant Classification Sherloc (09022015). Collection method: clinical testing. Allele origin: germline.
Comment: This sequence change replaces isoleucine, which is neutral and non-polar, with valine, which is neutral and non-polar, at codon 426 of the DBT protein (p.Ile426Val). This variant is not present in population databases (gnomAD no frequency). This variant has not been reported in the literature in individuals affected with DBT-related conditions. Advanced modeling of protein sequence and biophysical properties (such as structural, functional, and spatial information, amino acid conservation, physicochemical variation, residue mobility, and thermodynamic stability) performed at Invitae indicates that this missense variant is not expected to disrupt DBT protein function. Algorithms developed to predict the effect of sequence changes on RNA splicing suggest that this variant may create or strengthen a splice site. In summary, the available evidence is currently insufficient to determine the role of this variant in disease. Therefore, it has been classified as a Variant of Uncertain Significance.